The following is an entry in ClinVar:

NM_004260.4(RECQL4):c.398C>T (p.Ala133Val)

Gene: RECQL4 (RecQ like helicase 4; minus strand). Cytogenetic location: 8q24.3.
Variant type: single nucleotide variant.
Coding change: c.398C>T on transcript NM_004260.4 (MANE Select); coding-DNA position 398, C replaced by T.
Protein change: p.Ala133Val; replaces alanine 133 with valine.
Molecular consequence: missense variant.
Genome position (GRCh38, 1-based): chr8:144,516,721, G>A on the plus strand (C>T on the coding strand, the complement: RECQL4 is on the minus strand). VCF-style: chr8-144516721-G-A. GRCh37 (hg19) VCF-style: chr8-145742105-G-A.
Other names: c.398C>T (NM_004260.3); short protein forms A133V.
Identifiers: ClinVar variation 1433710 (VCV001433710.7), dbSNP rs1815095431, ClinGen allele CA372691629.

ClinVar aggregate classification (germline): Conflicting classifications of pathogenicity. Review status: criteria provided, conflicting classifications (1 of 4 stars). 2 submissions from 2 submitters: Uncertain significance (1); Likely benign (1). Last evaluated 2025-08-11.

Conditions:
Baller-Gerold syndrome (BGS). Also called: CRANIOSYNOSTOSIS WITH RADIAL DEFECTS. Identifiers: Orphanet 1225, MedGen C0265308, MONDO:0009039, OMIM 218600.
Inborn genetic diseases. Identifiers: MedGen C0950123, MeSH D030342.

Allele frequency attached by ClinVar (database versions not stated): gnomAD exomes below 0.00001; TOPMed below 0.00001.
gnomAD v4.1: 2 of 1,539,890 alleles (0.00013%); highest among the groups gnomAD compares: Middle Eastern, 0.035%; no homozygotes.

Submissions (2):

Labcorp Genetics (formerly Invitae), Labcorp
Classification: Likely benign for Baller-Gerold syndrome. Last evaluated: 2025-08-11. Review status: criteria provided, single submitter. Criteria: Invitae Variant Classification Sherloc (09022015). Collection method: clinical testing. Allele origin: germline.

Ambry Genetics
Classification: Uncertain significance for Inborn genetic diseases. Last evaluated: 2025-01-06. Review status: criteria provided, single submitter. Criteria: Ambry Variant Classification Scheme 2023. Collection method: clinical testing. Allele origin: germline.
Comment: The p.A133V variant (also known as c.398C>T), located in coding exon 5 of the RECQL4 gene, results from a C to T substitution at nucleotide position 398. The alanine at codon 133 is replaced by valine, an amino acid with similar properties. This amino acid position is conserved. In addition, this alteration is predicted to be tolerated by in silico analysis. Based on the available evidence, the clinical significance of this variant remains unclear.